The following is an entry in ClinVar:

NM_000531.6(OTC):c.78-233G>C

Gene: OTC (ornithine transcarbamylase; plus strand). Cytogenetic location: Xp11.4.
Variant type: single nucleotide variant.
Coding change: c.78-233G>C on transcript NM_000531.6 (MANE Select); 233 bases into the intron before coding-DNA position 78, G replaced by C.
Molecular consequence: intron variant.
Genome position (GRCh38, 1-based): chrX:38,367,058, G>C. VCF-style: chrX-38367058-G-C. GRCh37 (hg19) VCF-style: chrX-38226311-G-C.
Other names: NC_000023.10:g.38226311G>C.
Identifiers: ClinVar variation 680967 (VCV000680967.2), dbSNP rs148036282, ClinGen allele CA327924850.

ClinVar aggregate classification (germline): Benign (1 of 4 stars; one submission).

Allele frequency attached by ClinVar (database versions not stated): 1000 Genomes Project 0.02013; 1000 Genomes Project 30x 0.02019; gnomAD 0.02237 and 0.02409; TOPMed 0.02571.
gnomAD v4.1: 2,426 of 109,856 alleles (2.2%); highest among the groups gnomAD compares: African/African-American, 7.6%; 77 homozygotes.

Submissions (3):

GeneDx
Classification: Benign. Last evaluated: 2018-06-16. Review status: criteria provided, single submitter. Criteria: GeneDx Variant Classification (06012015). Collection method: clinical testing. Allele origin: germline. Affected: yes.
Comment: This variant is considered likely benign or benign based on one or more of the following criteria: it is a conservative change, it occurs at a poorly conserved position in the protein, it is predicted to be benign by multiple in silico algorithms, and/or has population frequency not consistent with disease.

Dr. Peter K. Rogan Lab, Western University
No classification provided (evidence only). Condition: Cervical cancer. Review status: no classification provided. Collection method: in vitro. Allele origin: not applicable. Functional consequence: retained intron. Not counted in ClinVar's aggregate classification.

Dr. Peter K. Rogan Lab, Western University
No classification provided (evidence only). Condition: Sarcoma. Review status: no classification provided. Collection method: in vitro. Allele origin: not applicable. Functional consequence: retained intron. Not counted in ClinVar's aggregate classification.